The following is an entry in ClinVar:

NM_001018115.3(FANCD2):c.2908G>C (p.Glu970Gln)

Genes: FANCD2 (FA complementation group D2; plus strand), LOC107303338 (3p25 FANCD2 Alu-mediated recombination region; plus strand). Cytogenetic location: 3p25.3.
Variant type: single nucleotide variant.
Coding change: c.2908G>C on transcript NM_001018115.3 (MANE Select); coding-DNA position 2908, G replaced by C.
Protein change: p.Glu970Gln; replaces glutamic acid 970 with glutamine.
Molecular consequence: missense variant.
Genome position (GRCh38, 1-based): chr3:10,078,129, G>C. VCF-style: chr3-10078129-G-C. GRCh37 (hg19) VCF-style: chr3-10119813-G-C.
Other names: c.2908G>C, p.Glu970Gln (NM_001319984.2, NM_001374254.1, NM_033084.6); c.2797G>C, p.Glu933Gln (NM_001374253.1); short protein forms E933Q, E970Q.
Identifiers: ClinVar variation 2038718 (VCV002038718.4), dbSNP rs760459142, ClinGen allele CA2250225.

ClinVar aggregate classification (germline): Uncertain significance. Review status: criteria provided, multiple submitters, no conflicts (2 of 4 stars). 2 submissions from 2 submitters: Uncertain significance (2). Last evaluated 2023-12-11.

Conditions:
Fanconi anemia (FA). Also called: Fanconi's anemia. Identifiers: Orphanet 84, MedGen C0015625, MeSH D005199, MONDO:0019391.

Allele frequency attached by ClinVar (database versions not stated): ExAC 0.00002; gnomAD 0.00002; TOPMed 0.00002.
gnomAD v4.1: 21 of 1,613,868 alleles (0.0013%); highest among the groups gnomAD compares: Non-Finnish European, 0.0017%; no homozygotes.

Submissions (2):

Labcorp Genetics (formerly Invitae), Labcorp
Classification: Uncertain significance for Fanconi anemia. Last evaluated: 2023-12-11. Review status: criteria provided, single submitter. Criteria: Invitae Variant Classification Sherloc (09022015). Collection method: clinical testing. Allele origin: germline.
Comment: This sequence change replaces glutamic acid, which is acidic and polar, with glutamine, which is neutral and polar, at codon 970 of the FANCD2 protein (p.Glu970Gln). This variant is present in population databases (rs760459142, gnomAD 0.003%). This variant has not been reported in the literature in individuals affected with FANCD2-related conditions. ClinVar contains an entry for this variant (Variation ID: 2038718). Advanced modeling of protein sequence and biophysical properties (such as structural, functional, and spatial information, amino acid conservation, physicochemical variation, residue mobility, and thermodynamic stability) performed at Invitae indicates that this missense variant is not expected to disrupt FANCD2 protein function with a negative predictive value of 80%. In summary, the available evidence is currently insufficient to determine the role of this variant in disease. Therefore, it has been classified as a Variant of Uncertain Significance.

Blueprint Genetics
Classification: Uncertain significance. Last evaluated: 2023-07-17. Review status: criteria provided, single submitter. Criteria: ACMG Guidelines, 2015. Collection method: clinical testing. Allele origin: germline.